The following is an entry in ClinVar:

ClinVar aggregate classification (germline): Uncertain significance (1 of 4 stars; one submission).

Conditions:
Familial cancer of breast. Also called: BREAST CANCER, FAMILIAL; hereditary breast carcinoma; Hereditary breast cancer. Identifiers: Orphanet 227535, MedGen C0346153, MONDO:0016419, OMIM 114480. Disease mechanism: loss of function.

Submission:

Labcorp Genetics (formerly Invitae), Labcorp
Classification: Uncertain significance for Familial cancer of breast. Last evaluated: 2023-07-07. Review status: criteria provided, single submitter. Criteria: Invitae Variant Classification Sherloc (09022015). Collection method: clinical testing. Allele origin: germline.
Comment: This sequence change replaces alanine, which is neutral and non-polar, with threonine, which is neutral and polar, at codon 473 of the CHEK2 protein (p.Ala473Thr). This variant is not present in population databases (gnomAD no frequency). This variant has not been reported in the literature in individuals affected with CHEK2-related conditions. An algorithm developed to predict the effect of missense changes on protein structure and function (PolyPhen-2) suggests that this variant is likely to be tolerated. In summary, the available evidence is currently insufficient to determine the role of this variant in disease. Therefore, it has been classified as a Variant of Uncertain Significance.

NM_007194.4(CHEK2):c.1417G>A (p.Ala473Thr)

Gene: CHEK2 (checkpoint kinase 2; minus strand). Cytogenetic location: 22q12.1.
Variant type: single nucleotide variant.
Coding change: c.1417G>A on transcript NM_007194.4 (MANE Select); coding-DNA position 1417, G replaced by A.
Protein change: p.Ala473Thr; replaces alanine 473 with threonine.
Molecular consequence: missense variant.
Genome position (GRCh38, 1-based): chr22:28,694,076, C>T on the plus strand (G>A on the coding strand, the complement: CHEK2 is on the minus strand). VCF-style: chr22-28694076-C-T. GRCh37 (hg19) VCF-style: chr22-29090064-C-T.
Other names: c.1546G>A, p.Ala516Thr (NM_001005735.3); c.754G>A, p.Ala252Thr (NM_001257387.3); c.1216G>A, p.Ala406Thr (NM_001349956.3); c.1330G>A, p.Ala444Thr (NM_145862.3); short protein forms A406T, A473T, A516T, A252T, A444T.
Identifiers: ClinVar variation 2853658 (VCV002853658.3), dbSNP rs2145785503, ClinGen allele CA411094308.